The following is an entry in ClinVar:

ClinVar aggregate classification (germline): Uncertain significance (1 of 4 stars; one submission).

Submission:

Labcorp Genetics (formerly Invitae), Labcorp
Classification: Uncertain significance. Last evaluated: 2024-12-15. Review status: criteria provided, single submitter. Criteria: Invitae Variant Classification Sherloc (09022015). Collection method: clinical testing. Allele origin: germline.
Comment: This sequence change replaces leucine, which is neutral and non-polar, with phenylalanine, which is neutral and non-polar, at codon 410 of the ANKRD26 protein (p.Leu410Phe). This variant is not present in population databases (gnomAD no frequency). This variant has not been reported in the literature in individuals affected with ANKRD26-related conditions. An algorithm developed to predict the effect of missense changes on protein structure and function outputs the following: PolyPhen-2: "Benign". The phenylalanine amino acid residue is found in multiple mammalian species, which suggests that this missense change does not adversely affect protein function. In summary, the available evidence is currently insufficient to determine the role of this variant in disease. Therefore, it has been classified as a Variant of Uncertain Significance.

NM_014915.3(ANKRD26):c.1230A>C (p.Leu410Phe)

Gene: ANKRD26 (ankyrin repeat domain 26; minus strand). Cytogenetic location: 10p12.1.
Variant type: single nucleotide variant.
Coding change: c.1230A>C on transcript NM_014915.3 (MANE Select); coding-DNA position 1230, A replaced by C.
Protein change: p.Leu410Phe; replaces leucine 410 with phenylalanine.
Molecular consequence: missense variant.
Genome position (GRCh38, 1-based): chr10:27,066,526, T>G on the plus strand (A>C on the coding strand, the complement: ANKRD26 is on the minus strand). VCF-style: chr10-27066526-T-G. GRCh37 (hg19) VCF-style: chr10-27355455-T-G.
Other names: c.1230A>C, p.Leu410Phe (NM_001256053.2); short protein forms L410F.
Identifiers: ClinVar variation 3727329 (VCV003727329.2).